The following is an entry in ClinVar:

ClinVar aggregate classification (germline): Pathogenic. Review status: criteria provided, multiple submitters, no conflicts (2 of 4 stars). 2 submissions from 2 submitters: Pathogenic (2). Last evaluated 2023-04-20.

Conditions:
Bainbridge-Ropers syndrome. Also called: Severe feeding difficulties-failure to thrive-microcephaly due to ASXL3 deficiency syndrome. Identifiers: Orphanet 352577, MedGen C4750837, MONDO:0014205, OMIM 615485.

Submissions (2):

Duke University Health System Sequencing Clinic, Duke University Health System
Classification: Pathogenic for Bainbridge-Ropers syndrome. Last evaluated: 2023-04-20. Review status: criteria provided, single submitter. Criteria: ACMG Guidelines, 2015. Collection method: research. Allele origin: de novo. Affected: yes.

GeneDx
Classification: Pathogenic. Last evaluated: 2018-07-31. Review status: criteria provided, single submitter. Criteria: GeneDx Variant Classification (06012015). Collection method: clinical testing. Allele origin: germline. Affected: yes.
Comment: The c.4153_4154delGT variant in the ASXL3 gene has been reported previously in the literature (described as c.4152_4153delTG using alternate nomenclature) in an individual with Bainbridge-Ropers syndrome (Zhu et al., 2015). The c.4153_4154delGT variant causes a frameshift starting with codon Valine 385, changes this amino acid to an Isoleucine residue, and creates a premature Stop codon at position 14 of the new reading frame, denoted p.Val1385IlefsX14. This variant is predicted to cause loss of normal protein function through protein truncation as the last 864 amino acids are replaced with 13 incorrect residues. The c.4153_4154delGT variant is not observed in large population cohorts (Lek et al., 2016). We interpret c.4153_4154delGT as a pathogenic variant.

Literature cited by the submitters: PubMed 25590979 (cited by Duke University Health System Sequencing Clinic, Duke University Health System).

NM_030632.3(ASXL3):c.4153_4154del (p.Val1385fs)

Gene: ASXL3 (ASXL transcriptional regulator 3; plus strand). Cytogenetic location: 18q12.1.
Variant type: Deletion.
Coding change: c.4153_4154del on transcript NM_030632.3 (MANE Select); coding-DNA positions 4153 to 4154, 2 bases deleted (GT; older notation c.4153_4154delGT).
Protein change: p.Val1385fs; shifts the reading frame from valine 1385.
Molecular consequence: frameshift variant.
Genome position (GRCh38, 1-based): chr18:33,744,001-33,744,002, GT deleted; deleting any 2 consecutive bases within chr18:33,744,000-33,744,002 gives the same sequence; the c. name uses the placement nearest the transcript's 3' end. VCF-style (leftmost placement, unchanged base first): chr18-33743999-CTG-C. GRCh37 (hg19) VCF-style: chr18-31323963-CTG-C.
Other names: short protein forms V1385fs.
Identifiers: ClinVar variation 817028 (VCV000817028.3), dbSNP rs1599572974, ClinGen allele CA915952506.